The following is an entry in ClinVar:

NM_002528.7(NTHL1):c.607C>G (p.Leu203Val)

Gene: NTHL1 (nth like DNA glycosylase 1; minus strand). Cytogenetic location: 16p13.3.
Variant type: single nucleotide variant.
Coding change: c.607C>G on transcript NM_002528.7 (MANE Select); coding-DNA position 607, C replaced by G.
Protein change: p.Leu203Val; replaces leucine 203 with valine.
Molecular consequence: missense variant.
Genome position (GRCh38, 1-based): chr16:2,043,645, G>C on the plus strand (C>G on the coding strand, the complement: NTHL1 is on the minus strand). VCF-style: chr16-2043645-G-C. GRCh37 (hg19) VCF-style: chr16-2093646-G-C.
Other names: c.436C>G, p.Leu146Val (NM_001318193.2); c.277C>G, p.Leu93Val (NM_001318194.2); short protein forms L93V, L146V, L203V.
Identifiers: ClinVar variation 842805 (VCV000842805.11), dbSNP rs369076851, ClinGen allele CA394291535.

ClinVar aggregate classification (germline): Uncertain significance. Review status: criteria provided, multiple submitters, no conflicts (2 of 4 stars). 2 submissions from 2 submitters: Uncertain significance (2). Last evaluated 2025-12-14.

Conditions:
Hereditary cancer-predisposing syndrome. Also called: Hereditary Cancer Syndrome; Hereditary neoplastic syndrome; Tumor predisposition; Neoplastic Syndromes, Hereditary. Identifiers: Orphanet 140162, MedGen C0027672, MeSH D009386, MONDO:0015356.

Submissions (2):

Ambry Genetics
Classification: Uncertain significance for Hereditary cancer-predisposing syndrome. Last evaluated: 2025-12-14. Review status: criteria provided, single submitter. Criteria: Ambry Variant Classification Scheme 2023. Collection method: clinical testing. Allele origin: germline.
Comment: The p.L211V variant (also known as c.631C>G), located in coding exon 4 of the NTHL1 gene, results from a C to G substitution at nucleotide position 631. The leucine at codon 211 is replaced by valine, an amino acid with highly similar properties. This amino acid position is conserved. In addition, this alteration is predicted to be deleterious by in silico analysis. Since supporting evidence is limited at this time, the clinical significance of this alteration remains unclear.

Labcorp Genetics (formerly Invitae), Labcorp
Classification: Uncertain significance. Last evaluated: 2022-12-23. Review status: criteria provided, single submitter. Criteria: Invitae Variant Classification Sherloc (09022015). Collection method: clinical testing. Allele origin: germline.
Comment: This sequence change replaces leucine, which is neutral and non-polar, with valine, which is neutral and non-polar, at codon 211 of the NTHL1 protein (p.Leu211Val). This variant is not present in population databases (gnomAD no frequency). This variant has not been reported in the literature in individuals affected with NTHL1-related conditions. ClinVar contains an entry for this variant (Variation ID: 842805). Algorithms developed to predict the effect of missense changes on protein structure and function are either unavailable or do not agree on the potential impact of this missense change (SIFT: "Not Available"; PolyPhen-2: "Possibly Damaging"; Align-GVGD: "Not Available"). In summary, the available evidence is currently insufficient to determine the role of this variant in disease. Therefore, it has been classified as a Variant of Uncertain Significance.